The following is an entry in ClinVar:

NM_014068.3(PSORS1C1):c.110G>A (p.Arg37His)

Genes: PSORS1C1 (psoriasis susceptibility 1 candidate 1; plus strand), PSORS1C2 (psoriasis susceptibility 1 candidate 2; minus strand). Cytogenetic location: 6p21.33.
Variant type: single nucleotide variant.
Coding change: c.110G>A on transcript NM_014068.3 (MANE Select); coding-DNA position 110, G replaced by A.
Protein change: p.Arg37His; replaces arginine 37 with histidine.
Molecular consequence: missense variant. On other transcripts: intron variant (1).
Genome position (GRCh38, 1-based): chr6:31,138,722, G>A. VCF-style: chr6-31138722-G-A. GRCh37 (hg19) VCF-style: chr6-31106499-G-A.
Other names: c.55+250C>T (NM_014069.3); short protein forms R37H.
Identifiers: ClinVar variation 3059106 (VCV003059106.2), dbSNP rs9263726, ClinGen allele CA3708774.
Genomic context (GRCh38, chr6:31,138,722, plus strand): 5'-AGACCCCAGCTTTACAAGGACCCCAGCTCCTTAACACAGATCCCAGCTCCGAGGAAACTC[G>A]TCCCCCCCACGTTAATCCTGACCGACTTTGCCACATGGAGCCAGCAAACCATTTCTGGTG-3'
Protein context (NP_054787.2, residues 27-47): LNTDPSSEET[Arg37His]PPHVNPDRLC

ClinVar aggregate classification (germline): Benign (0 of 4 stars; one submission).

Conditions:
PSORS1C1-related disorder. Also called: PSORS1C1-related condition.

Allele frequency attached by ClinVar (database versions not stated): 1000 Genomes Project 0.11202; 1000 Genomes Project 30x 0.11399; ExAC 0.11867; gnomAD exomes 0.12525; gnomAD 0.13588; TOPMed 0.13606.
gnomAD v4.1: 202,814 of 1,608,304 alleles (13%); highest among the groups gnomAD compares: African/African-American, 17%; 13,529 homozygotes.

Submission:

PreventionGenetics, part of Exact Sciences
Classification: Benign for PSORS1C1-related condition. Last evaluated: 2019-11-08. Review status: no assertion criteria provided. Collection method: clinical testing. Allele origin: germline.
Comment: This variant is classified as benign based on ACMG/AMP sequence variant interpretation guidelines (Richards et al. 2015 PMID: 25741868, with internal and published modifications).